The following is an entry in ClinVar:

NM_004565.3(PEX14):c.1008T>G (p.His336Gln)

Gene: PEX14 (peroxisomal biogenesis factor 14; plus strand). Cytogenetic location: 1p36.22.
Variant type: single nucleotide variant.
Coding change: c.1008T>G on transcript NM_004565.3 (MANE Select); coding-DNA position 1008, T replaced by G.
Protein change: p.His336Gln; replaces histidine 336 with glutamine.
Molecular consequence: missense variant.
Genome position (GRCh38, 1-based): chr1:10,629,861, T>G. VCF-style: chr1-10629861-T-G. GRCh37 (hg19) VCF-style: chr1-10689918-T-G.
Other names: short protein forms H336Q.
Identifiers: ClinVar variation 499837 (VCV000499837.9), dbSNP rs770817636, ClinGen allele CA338339391.

ClinVar aggregate classification (germline): Uncertain significance. Review status: criteria provided, multiple submitters, no conflicts (2 of 4 stars). 2 submissions from 2 submitters: Uncertain significance (2). Last evaluated 2025-03-31.

Conditions:
Peroxisome biogenesis disorder, complementation group K (CGK). Identifiers: MedGen C1866257, MONDO:0800365.

gnomAD v4.1: 1 of 1,611,530 alleles (0.000062%); highest among the groups gnomAD compares: Non-Finnish European, 0.000085%; no homozygotes.

Submissions (2):

Labcorp Genetics (formerly Invitae), Labcorp
Classification: Uncertain significance for Peroxisome biogenesis disorder, complementation group K. Last evaluated: 2025-03-31. Review status: criteria provided, single submitter. Criteria: Invitae Variant Classification Sherloc (09022015). Collection method: clinical testing. Allele origin: germline.
Comment: This sequence change replaces histidine, which is basic and polar, with glutamine, which is neutral and polar, at codon 336 of the PEX14 protein (p.His336Gln). This variant is not present in population databases (gnomAD no frequency). This variant has not been reported in the literature in individuals affected with PEX14-related conditions. ClinVar contains an entry for this variant (Variation ID: 499837). Invitae Evidence Modeling of protein sequence and biophysical properties (such as structural, functional, and spatial information, amino acid conservation, physicochemical variation, residue mobility, and thermodynamic stability) indicates that this missense variant is not expected to disrupt PEX14 protein function with a negative predictive value of 80%. In summary, the available evidence is currently insufficient to determine the role of this variant in disease. Therefore, it has been classified as a Variant of Uncertain Significance.

Eurofins Ntd Llc (ga)
Classification: Uncertain significance. Last evaluated: 2017-01-10. Review status: criteria provided, single submitter. Criteria: EGL Classification Definitions 2015. Collection method: clinical testing. Allele origin: germline. Observed: 1 variant allele, 1 heterozygote.